The following is an entry in ClinVar:

NM_000264.5(PTCH1):c.2042C>G (p.Pro681Arg)

Genes: PTCH1 (patched 1; minus strand), LOC100507346 (uncharacterized LOC100507346; plus strand). Cytogenetic location: 9q22.32.
Variant type: single nucleotide variant.
Coding change: c.2042C>G on transcript NM_000264.5 (MANE Select); coding-DNA position 2042, C replaced by G.
Protein change: p.Pro681Arg; replaces proline 681 with arginine.
Molecular consequence: missense variant. On other transcripts: non-coding transcript variant (2).
Genome position (GRCh38, 1-based): chr9:95,468,959, G>C on the plus strand (C>G on the coding strand, the complement: PTCH1 is on the minus strand). VCF-style: chr9-95468959-G-C. GRCh37 (hg19) VCF-style: chr9-98231241-G-C.
Other names: c.1844C>G, p.Pro615Arg (NM_001083602.3); c.2039C>G, p.Pro680Arg (NM_001083603.3); c.1589C>G, p.Pro530Arg (NM_001083604.3, NM_001083605.3, NM_001083606.3 and 1 more transcripts); c.1886C>G, p.Pro629Arg (NM_001354918.2); short protein forms P530R, P680R, P629R, P615R, P681R.
Identifiers: ClinVar variation 640359 (VCV000640359.14), dbSNP rs1588574709, ClinGen allele CA374115776.

ClinVar aggregate classification (germline): Uncertain significance. Review status: criteria provided, multiple submitters, no conflicts (2 of 4 stars). 2 submissions from 2 submitters: Uncertain significance (2). Last evaluated 2026-07-27.

Conditions:
Hereditary cancer-predisposing syndrome. Also called: Neoplastic Syndromes, Hereditary; Hereditary Cancer Syndrome; Hereditary neoplastic syndrome; Tumor predisposition. Identifiers: Orphanet 140162, MedGen C0027672, MeSH D009386, MONDO:0015356.
Gorlin syndrome. Also called: Nevoid Basal Cell Carcinoma Syndrome; Basal cell nevus syndrome. Identifiers: Orphanet 377, MedGen C0004779, MONDO:0007187.

Allele frequency attached by ClinVar (database versions not stated): gnomAD exomes below 0.00001.

Submissions (2):

Ambry Genetics
Classification: Uncertain significance for Hereditary cancer-predisposing syndrome. Last evaluated: 2026-07-27. Review status: criteria provided, single submitter. Criteria: Ambry Variant Classification Scheme 2023. Collection method: clinical testing. Allele origin: germline.
Comment: The p.P681R variant (also known as c.2042C>G), located in coding exon 14 of the PTCH1 gene, results from a C to G substitution at nucleotide position 2042. The proline at codon 681 is replaced by arginine, an amino acid with dissimilar properties. This amino acid position is highly conserved in available vertebrate species. In addition, this alteration is predicted to be deleterious by in silico analysis. Based on the available evidence, the clinical significance of this variant remains unclear.

Labcorp Genetics (formerly Invitae), Labcorp
Classification: Uncertain significance for Gorlin syndrome. Last evaluated: 2022-04-19. Review status: criteria provided, single submitter. Criteria: Invitae Variant Classification Sherloc (09022015). Collection method: clinical testing. Allele origin: germline.
Comment: In summary, the available evidence is currently insufficient to determine the role of this variant in disease. Therefore, it has been classified as a Variant of Uncertain Significance. Advanced modeling of protein sequence and biophysical properties (such as structural, functional, and spatial information, amino acid conservation, physicochemical variation, residue mobility, and thermodynamic stability) performed at Invitae indicates that this missense variant is expected to disrupt PTCH1 protein function. ClinVar contains an entry for this variant (Variation ID: 640359). This variant has not been reported in the literature in individuals affected with PTCH1-related conditions. This variant is not present in population databases (gnomAD no frequency). This sequence change replaces proline, which is neutral and non-polar, with arginine, which is basic and polar, at codon 681 of the PTCH1 protein (p.Pro681Arg).